The following is an entry in ClinVar:

NM_005142.3(CBLIF):c.370+83_426del

Gene: CBLIF (cobalamin binding intrinsic factor; minus strand). Cytogenetic location: 11q12.1.
Variant type: Deletion.
Coding change: c.370+83_426del on transcript NM_005142.3 (MANE Select); 83 bases into the intron after coding-DNA position 370 through coding-DNA position 426, 418 bases deleted.
Molecular consequence: splice acceptor variant.
Genome position (GRCh38, 1-based): chr11:59,842,528-59,842,945, 418 bases deleted. GRCh37 (hg19): chr11:59,610,002-59,610,419.
Identifiers: ClinVar variation 1969715 (VCV001969715.5), dbSNP rs2495712049, ClinGen allele CA2580084332.

ClinVar aggregate classification (germline): Likely pathogenic (1 of 4 stars; one submission).

Conditions:
Hereditary intrinsic factor deficiency (IFD). Also called: PERNICIOUS ANEMIA, CONGENITAL, DUE TO DEFECT OF INTRINSIC FACTOR; Congenital intrinsic factor deficiency. Identifiers: Orphanet 332, MedGen C2062370, MONDO:0009852, OMIM 261000.

Submission:

Labcorp Genetics (formerly Invitae), Labcorp
Classification: Likely pathogenic for Hereditary intrinsic factor deficiency. Last evaluated: 2021-09-13. Review status: criteria provided, single submitter. Criteria: Invitae Variant Classification Sherloc (09022015). Collection method: clinical testing. Allele origin: germline.
Comment: In summary, the currently available evidence indicates that the variant is pathogenic, but additional data are needed to prove that conclusively. Therefore, this variant has been classified as Likely Pathogenic. This variant has not been reported in the literature in individuals affected with GIF-related conditions. This variant results in the deletion of part of exon 4 (c.370+83_426del) of the GIF gene. It is expected to disrupt RNA splicing. Variants that disrupt the donor or acceptor splice site typically lead to a loss of protein function (PMID: 16199547), and loss-of-function variants in GIF are known to be pathogenic (PMID: 14576042, 22929189). This variant is not present in population databases (ExAC no frequency).

Literature cited by the submitters: PubMed 16199547; PubMed 14576042; PubMed 22929189.